The following is an entry in ClinVar:

NM_007294.4(BRCA1):c.2206G>A (p.Glu736Lys)

Gene: BRCA1 (BRCA1 DNA repair associated; minus strand). Cytogenetic location: 17q21.31.
Variant type: single nucleotide variant.
Coding change: c.2206G>A on transcript NM_007294.4 (MANE Select); coding-DNA position 2206, G replaced by A.
Protein change: p.Glu736Lys; replaces glutamic acid 736 with lysine.
Molecular consequence: missense variant. On other transcripts: intron variant (137).
Genome position (GRCh38, 1-based): chr17:43,093,325, C>T on the plus strand (G>A on the coding strand, the complement: BRCA1 is on the minus strand). VCF-style: chr17-43093325-C-T. GRCh37 (hg19) VCF-style: chr17-41245342-C-T.
Other names: c.2206G>A, p.Glu736Lys (NM_001407597.1, NM_001407598.1, NM_001407602.1 and 30 more transcripts); c.2203G>A, p.Glu735Lys (NM_001407610.1, NM_001407611.1, NM_001407612.1 and 22 more transcripts); c.2197G>A, p.Glu733Lys (NM_001407646.1, NM_001407647.1); c.2083G>A, p.Glu695Lys (NM_001407648.1, NM_001407664.1, NM_001407665.1 and 19 more transcripts); c.2080G>A, p.Glu694Lys (NM_001407649.1, NM_001407670.1, NM_001407671.1 and 11 more transcripts); c.2128G>A, p.Glu710Lys (NM_001407653.1, NM_001407654.1, NM_001407655.1 and 4 more transcripts); c.2125G>A, p.Glu709Lys (NM_001407659.1, NM_001407660.1, NM_001407661.1 and 1 more transcripts); c.2065G>A, p.Glu689Lys (NM_001407692.1, NM_001407694.1, NM_001407695.1 and 29 more transcripts); and 41 more; short protein forms E608K, E647K, E666K, E695K, E735K, E736K, E440K, E609K.
Identifiers: ClinVar variation 1787693 (VCV001787693.4), dbSNP rs2154393441, ClinGen allele CA10597587.

ClinVar aggregate classification (germline): Conflicting classifications of pathogenicity. Review status: criteria provided, conflicting classifications (1 of 4 stars). 2 submissions from 2 submitters: Uncertain significance (1); Likely benign (1). Last evaluated 2023-03-23.

Conditions:
Hereditary cancer-predisposing syndrome. Also called: Neoplastic Syndromes, Hereditary; Tumor predisposition; Hereditary Cancer Syndrome; Hereditary neoplastic syndrome. Identifiers: Orphanet 140162, MedGen C0027672, MeSH D009386, MONDO:0015356.

Submissions (2):

University of Washington Department of Laboratory Medicine, University of Washington
Classification: Likely benign for Hereditary cancer-predisposing syndrome. Last evaluated: 2023-03-23. Review status: criteria provided, single submitter. Criteria: Dines et al. (Genet Med. 2020). Collection method: curation. Allele origin: germline.
Comment: Missense variant in a coldspot region where missense variants are very unlikely to be pathogenic (PMID:31911673).

BRCA1 coldspot (exon 11 using historical exon numbering). Reclassification based on statistical prior probability

Ambry Genetics
Classification: Uncertain significance for Hereditary cancer-predisposing syndrome. Last evaluated: 2019-04-15. Review status: criteria provided, single submitter. Criteria: Ambry Variant Classification Scheme 2023. Collection method: clinical testing. Allele origin: germline.
Comment: The p.E736K variant (also known as c.2206G>A), located in coding exon 9 of the BRCA1 gene, results from a G to A substitution at nucleotide position 2206. The glutamic acid at codon 736 is replaced by lysine, an amino acid with similar properties. This amino acid position is poorly conserved in available vertebrate species. In addition, the in silico prediction for this alteration is inconclusive. Since supporting evidence is limited at this time, the clinical significance of this alteration remains unclear.